The following is an entry in ClinVar:

ClinVar aggregate classification (germline): Uncertain significance. Review status: criteria provided, single submitter (1 of 4 stars). 2 submissions from 2 submitters: Uncertain significance (1). 1 of the submissions does not count toward it. Last evaluated 2025-10-13.

Conditions:
Cystic fibrosis (CF). Also called: MUCOVISCIDOSIS. Identifiers: Orphanet 586, MedGen C0010674, MONDO:0009061, OMIM 219700. Disease mechanism: loss of function.

Allele frequency attached by ClinVar (database versions not stated): gnomAD exomes below 0.00001.
gnomAD v4.1: 1 of 1,614,146 alleles (0.000062%); highest among the groups gnomAD compares: South Asian, 0.0011%; no homozygotes.

Submissions (2):

Women's Health and Genetics/Laboratory Corporation of America, LabCorp
Classification: Uncertain significance. Last evaluated: 2025-10-13. Review status: criteria provided, single submitter. Criteria: LabCorp Variant Classification Summary - May 2015. Collection method: clinical testing. Allele origin: germline.
Comment: Variant summary: CFTR c.719T>G (p.Leu240Arg) results in a non-conservative amino acid change in the encoded protein sequence. Algorithms developed to predict the effect of missense changes on protein structure and function all suggest that this variant is likely to be disruptive. The variant was absent in 251394 control chromosomes. c.719T>G has been observed in individual(s) affected with Cystic Fibrosis (Varkki_2024, Sinha_2022). These data indicate that the variant may be associated with disease. To our knowledge, no experimental evidence demonstrating an impact on protein function has been reported. The following publications have been ascertained in the context of this evaluation (PMID: 38966678, 38966678). ClinVar contains an entry for this variant (Variation ID: 2443362). Based on the evidence outlined above, the variant was classified as VUS-possibly pathogenic.

Clinical Genetics Laboratory, Christian Medical College, Vellore
Classification: Likely pathogenic for Cystic fibrosis. Review status: no assertion criteria provided. Criteria: ACMG Guidelines, 2015. Collection method: clinical testing. Allele origin: germline. Affected: yes. Not counted in ClinVar's aggregate classification.

Literature cited by the submitters: PubMed 38966678 (cited by Women's Health and Genetics/Laboratory Corporation of America, LabCorp).

NM_000492.4(CFTR):c.719T>G (p.Leu240Arg)

Gene: CFTR (CF transmembrane conductance regulator; plus strand). Cytogenetic location: 7q31.2.
Variant type: single nucleotide variant.
Coding change: c.719T>G on transcript NM_000492.4 (MANE Select); coding-DNA position 719, T replaced by G.
Protein change: p.Leu240Arg; replaces leucine 240 with arginine.
Molecular consequence: missense variant.
Genome position (GRCh38, 1-based): chr7:117,535,387, T>G. VCF-style: chr7-117535387-T-G. GRCh37 (hg19) VCF-style: chr7-117175441-T-G.
Other names: short protein forms L240R.
Identifiers: ClinVar variation 2443362 (VCV002443362.2), dbSNP rs2485017487, ClinGen allele CA368977143.